The following is an entry in ClinVar:

NM_000051.4(ATM):c.403G>T (p.Ala135Ser)

Gene: ATM (ATM serine/threonine kinase; plus strand). Cytogenetic location: 11q22.3.
Variant type: single nucleotide variant.
Coding change: c.403G>T on transcript NM_000051.4 (MANE Select); coding-DNA position 403, G replaced by T.
Protein change: p.Ala135Ser; replaces alanine 135 with serine.
Molecular consequence: missense variant.
Genome position (GRCh38, 1-based): chr11:108,235,741, G>T. VCF-style: chr11-108235741-G-T. GRCh37 (hg19) VCF-style: chr11-108106468-G-T.
Other names: c.403G>T, p.Ala135Ser (NM_001351834.2); short protein forms A135S.
Identifiers: ClinVar variation 1008982 (VCV001008982.7), dbSNP rs1272089657, ClinGen allele CA382524981.

ClinVar aggregate classification (germline): Uncertain significance (1 of 4 stars; one submission).

Conditions:
Ataxia-telangiectasia syndrome (AT). Also called: Ataxia-telangiectasia, complementation group D; AT, COMPLEMENTATION GROUP C; ATAXIA-TELANGIECTASIA, COMPLEMENTATION GROUP A; ATAXIA-TELANGIECTASIA, FRESNO VARIANT; Ataxia-telangiectasia; Cerebello-oculocutaneous telangiectasia. Identifiers: Orphanet 100, MedGen C0004135, MONDO:0008840, OMIM 208900.

Submission:

Labcorp Genetics (formerly Invitae), Labcorp
Classification: Uncertain significance for Ataxia-telangiectasia syndrome. Last evaluated: 2023-07-16. Review status: criteria provided, single submitter. Criteria: Invitae Variant Classification Sherloc (09022015). Collection method: clinical testing. Allele origin: germline.
Comment: This variant is not present in population databases (gnomAD no frequency). In summary, the available evidence is currently insufficient to determine the role of this variant in disease. Therefore, it has been classified as a Variant of Uncertain Significance. Algorithms developed to predict the effect of missense changes on protein structure and function output the following: SIFT: "Not Available"; PolyPhen-2: "Benign"; Align-GVGD: "Not Available". The serine amino acid residue is found in multiple mammalian species, which suggests that this missense change does not adversely affect protein function. ClinVar contains an entry for this variant (Variation ID: 1008982). This variant has not been reported in the literature in individuals affected with ATM-related conditions. This sequence change replaces alanine, which is neutral and non-polar, with serine, which is neutral and polar, at codon 135 of the ATM protein (p.Ala135Ser).